The following is an entry in ClinVar:

ClinVar aggregate classification (germline): Uncertain significance. Review status: criteria provided, multiple submitters, no conflicts (2 of 4 stars). 2 submissions from 2 submitters: Uncertain significance (2). Last evaluated 2025-09-26.

Conditions:
Immunodeficiency 39 (IMD39). Identifiers: Orphanet 574918, MedGen C4225358, MONDO:0014597, OMIM 616345.

Allele frequency attached by ClinVar (database versions not stated): gnomAD exomes 0.00001; TOPMed 0.00002; gnomAD 0.00003; ExAC 0.00004.

Submissions (2):

Ambry Genetics
Classification: Uncertain significance. Last evaluated: 2025-09-26. Review status: criteria provided, single submitter. Criteria: Ambry Variant Classification Scheme 2023. Collection method: clinical testing. Allele origin: germline.

Labcorp Genetics (formerly Invitae), Labcorp
Classification: Uncertain significance for Immunodeficiency 39. Last evaluated: 2024-08-08. Review status: criteria provided, single submitter. Criteria: Invitae Variant Classification Sherloc (09022015). Collection method: clinical testing. Allele origin: germline.
Comment: This sequence change replaces alanine, which is neutral and non-polar, with threonine, which is neutral and polar, at codon 158 of the IRF7 protein (p.Ala158Thr). The frequency data for this variant in the population databases is considered unreliable, as metrics indicate poor data quality at this position in the gnomAD database. This variant has not been reported in the literature in individuals affected with IRF7-related conditions. Advanced modeling of protein sequence and biophysical properties (such as structural, functional, and spatial information, amino acid conservation, physicochemical variation, residue mobility, and thermodynamic stability) performed at Invitae indicates that this missense variant is not expected to disrupt IRF7 protein function with a negative predictive value of 80%. In summary, the available evidence is currently insufficient to determine the role of this variant in disease. Therefore, it has been classified as a Variant of Uncertain Significance.

NM_001572.5(IRF7):c.433G>A (p.Ala145Thr)

Gene: IRF7 (interferon regulatory factor 7; minus strand). Cytogenetic location: 11p15.5.
Variant type: single nucleotide variant.
Coding change: c.433G>A on transcript NM_001572.5 (MANE Select); coding-DNA position 433, G replaced by A.
Protein change: p.Ala145Thr; replaces alanine 145 with threonine.
Molecular consequence: missense variant.
Genome position (GRCh38, 1-based): chr11:614,496, C>T on the plus strand (G>A on the coding strand, the complement: IRF7 is on the minus strand). VCF-style: chr11-614496-C-T. GRCh37 (hg19) VCF-style: chr11-614496-C-T.
Other names: c.433G>A, p.Ala145Thr (NM_004029.4); c.472G>A, p.Ala158Thr (NM_004031.4); c.472G>A (NM_004031.2); short protein forms A145T, A158T.
Identifiers: ClinVar variation 2909271 (VCV002909271.4), dbSNP rs763105303, ClinGen allele CA5783959.